The following is an entry in ClinVar:

NM_000038.6(APC):c.5158G>A (p.Glu1720Lys)

Gene: APC (APC regulator of Wnt signaling pathway; plus strand). Cytogenetic location: 5q22.2.
Variant type: single nucleotide variant.
Coding change: c.5158G>A on transcript NM_000038.6 (MANE Select); coding-DNA position 5158, G replaced by A.
Protein change: p.Glu1720Lys; replaces glutamic acid 1720 with lysine.
Molecular consequence: missense variant.
Genome position (GRCh38, 1-based): chr5:112,840,752, G>A. VCF-style: chr5-112840752-G-A. GRCh37 (hg19) VCF-style: chr5-112176449-G-A.
Other names: c.5158G>A, p.Glu1720Lys (NM_001127510.3, NM_001354895.2); c.5104G>A, p.Glu1702Lys (NM_001127511.3); c.5212G>A, p.Glu1738Lys (NM_001354896.2); c.5188G>A, p.Glu1730Lys (NM_001354897.2); c.5083G>A, p.Glu1695Lys (NM_001354898.2); c.5074G>A, p.Glu1692Lys (NM_001354899.2); c.5035G>A, p.Glu1679Lys (NM_001354900.2); c.4981G>A, p.Glu1661Lys (NM_001354901.2); and 5 more; short protein forms E1720K, E1702K, E1437K, E1619K, E1679K, E1730K, E1738K, E1560K.
Identifiers: ClinVar variation 487037 (VCV000487037.55), dbSNP rs759882286, ClinGen allele CA040788.
Genomic context (GRCh38, chr5:112,840,752, plus strand): 5'-GCTCAAGGAGGAAAAACCTCATCTGTAACCATACCTGAATTGGATGACAATAAAGCAGAG[G>A]AAGGTGATATTCTTGCAGAATGCATTAATTCTGCTATGCCCAAAGGGAAAAGTCACAAGC-3'
Protein context (NP_000029.2, residues 1710-1730): IPELDDNKAE[Glu1720Lys]GDILAECINS

ClinVar aggregate classification (germline): Uncertain significance. Review status: criteria provided, multiple submitters, no conflicts (2 of 4 stars). 3 submissions from 3 submitters: Uncertain significance (3). Last evaluated 2025-12-16.

Conditions:
Familial adenomatous polyposis 1 (FAP1). Also called: FAMILIAL ADENOMATOUS POLYPOSIS 1, ATTENUATED; POLYPOSIS, ADENOMATOUS INTESTINAL. Identifiers: MedGen C2713442, MONDO:0021056, OMIM 175100. Disease mechanism: loss of function.
Hereditary cancer-predisposing syndrome. Also called: Tumor predisposition; Hereditary Cancer Syndrome; Neoplastic Syndromes, Hereditary; Hereditary neoplastic syndrome. Identifiers: Orphanet 140162, MedGen C0027672, MeSH D009386, MONDO:0015356.

Allele frequency attached by ClinVar (database versions not stated): gnomAD exomes below 0.00001; ExAC 0.00002.
gnomAD v4.1: 5 of 1,614,078 alleles (0.00031%); highest among the groups gnomAD compares: South Asian, 0.0055%; no homozygotes.

Submissions (3):

Ambry Genetics
Classification: Uncertain significance for Hereditary cancer-predisposing syndrome. Last evaluated: 2025-12-16. Review status: criteria provided, single submitter. Criteria: Ambry Variant Classification Scheme 2023. Collection method: clinical testing. Allele origin: germline.
Comment: The p.E1720K variant (also known as c.5158G>A), located in coding exon 15 of the APC gene, results from a G to A substitution at nucleotide position 5158. The glutamic acid at codon 1720 is replaced by lysine, an amino acid with similar properties. This amino acid position is well conserved in available vertebrate species. In addition, in silico predictors for this gene do not accurately predict pathogenicity. Since supporting evidence is limited at this time, the clinical significance of this alteration remains unclear.

Labcorp Genetics (formerly Invitae), Labcorp
Classification: Uncertain significance for Familial adenomatous polyposis 1. Last evaluated: 2025-02-25. Review status: criteria provided, single submitter. Criteria: Invitae Variant Classification Sherloc (09022015). Collection method: clinical testing. Allele origin: germline.
Comment: This sequence change replaces glutamic acid, which is acidic and polar, with lysine, which is basic and polar, at codon 1720 of the APC protein (p.Glu1720Lys). This variant is present in population databases (rs759882286, gnomAD 0.003%). This variant has not been reported in the literature in individuals affected with APC-related conditions. ClinVar contains an entry for this variant (Variation ID: 487037). Invitae Evidence Modeling of protein sequence and biophysical properties (such as structural, functional, and spatial information, amino acid conservation, physicochemical variation, residue mobility, and thermodynamic stability) indicates that this missense variant is not expected to disrupt APC protein function with a negative predictive value of 95%. In summary, the available evidence is currently insufficient to determine the role of this variant in disease. Therefore, it has been classified as a Variant of Uncertain Significance.

Baylor Genetics
Classification: Uncertain significance for Familial adenomatous polyposis 1. Last evaluated: 2024-03-21. Review status: criteria provided, single submitter. Criteria: ACMG Guidelines, 2015. Collection method: clinical testing. Allele origin: unknown.